The following is an entry in ClinVar:

ClinVar aggregate classification (germline): Conflicting classifications of pathogenicity. Review status: criteria provided, conflicting classifications (1 of 4 stars). 7 submissions from 7 submitters: Uncertain significance (2); Likely benign (5). Last evaluated 2025-03-23.

Conditions:
Familial adenomatous polyposis 1 (FAP1). Also called: POLYPOSIS, ADENOMATOUS INTESTINAL; FAMILIAL ADENOMATOUS POLYPOSIS 1, ATTENUATED. Identifiers: MedGen C2713442, MONDO:0021056, OMIM 175100. Disease mechanism: loss of function.
Hereditary cancer-predisposing syndrome. Also called: Hereditary Cancer Syndrome; Neoplastic Syndromes, Hereditary; Tumor predisposition; Hereditary neoplastic syndrome. Identifiers: Orphanet 140162, MedGen C0027672, MeSH D009386, MONDO:0015356.
Classic or attenuated familial adenomatous polyposis. Identifiers: MedGen CN372698, MONDO:0021057.

Allele frequency attached by ClinVar (database versions not stated): gnomAD exomes below 0.00001 and 0.00001; TOPMed below 0.00001.
gnomAD v4.1: 8 of 1,602,066 alleles (0.0005%); highest among the groups gnomAD compares: Middle Eastern, 0.033%; no homozygotes.

Submissions (7):

Labcorp Genetics (formerly Invitae), Labcorp
Classification: Likely benign for Familial adenomatous polyposis 1. Last evaluated: 2025-03-23. Review status: criteria provided, single submitter. Criteria: Invitae Variant Classification Sherloc (09022015). Collection method: clinical testing. Allele origin: germline.

Ambry Genetics
Classification: Uncertain significance for Hereditary cancer-predisposing syndrome. Last evaluated: 2025-02-03. Review status: criteria provided, single submitter. Criteria: Ambry Variant Classification Scheme 2023. Collection method: clinical testing. Allele origin: germline.
Comment: The c.220+4G>A intronic variant results from a G to A substitution 4 nucleotides after coding exon 2 in the APC gene. This nucleotide position is poorly conserved in available vertebrate species. In silico splice site analysis predicts that this alteration will not have any significant effect on splicing. RNA studies have demonstrated that this alteration does not result in abnormal splicing in the set of samples tested (Ambry internal data). Since supporting evidence is limited at this time, the clinical significance of this alteration remains unclear.

Myriad Genetics, Inc.
Classification: Likely benign for Familial adenomatous polyposis 1. Last evaluated: 2024-02-22. Review status: criteria provided, single submitter. Criteria: Myriad Autosomal Dominant, Autosomal Recessive and X-Linked Classification Criteria (2023). Collection method: clinical testing. Allele origin: unknown.
Comment: This variant is considered likely benign. This variant is intronic and is not expected to impact mRNA splicing.

KCCC/NGS Laboratory, Kuwait Cancer Control Center
Classification: Likely benign for Familial adenomatous polyposis 1. Last evaluated: 2023-07-07. Review status: criteria provided, single submitter. Criteria: ACMG Guidelines, 2015. Collection method: clinical testing. Allele origin: germline. Affected: yes.

All of Us Research Program, National Institutes of Health
Classification: Likely benign for Classic or attenuated familial adenomatous polyposis. Last evaluated: 2023-02-24. Review status: criteria provided, single submitter. Criteria: ACMG Guidelines, 2015. Collection method: clinical testing. Allele origin: germline. Inheritance: Autosomal dominant inheritance. Observed: 1 variant allele, 1 heterozygote.
Comment: This study involves interpretation of variants in research participants for the purpose of population health screening. Participant phenotype was not available at the time of variant classification. Additional details can be found in publication PMID: 35346344, PMCID: PMC8962531

Sema4
Classification: Uncertain significance for Hereditary cancer-predisposing syndrome. Last evaluated: 2022-02-10. Review status: criteria provided, single submitter. Criteria: Sema4 Curation Guidelines. Collection method: curation. Allele origin: germline.
Comment: The APC c.220+4G>A variant has been reported in heterozygosity in at least 1 individual with colorectal cancer (PMID: 21995949). It was observed in 1/113100 chromosomes in the European (non-Finnish) subpopulation in the large and broad cohorts of the Genome Aggregation Database (PMID: 32461654). This variant has been reported in ClinVar (Variation ID: 490238). Algorithms developed to predict the effect of sequence changes on RNA splicing do not suggest negative effect, though these predictions have not been confirmed by functional studies. The overall evidence is inconsistent with ACMG/AMP requirements for a classification of benign or pathogenic. In summary, the clinical significance of this variant is currently uncertain.

Color Diagnostics, LLC DBA Color Health
Classification: Likely benign for Hereditary cancer-predisposing syndrome. Last evaluated: 2017-05-08. Review status: criteria provided, single submitter. Criteria: ACMG Guidelines, 2015. Collection method: clinical testing. Allele origin: germline.

Literature cited by the submitters: PubMed 21995949 (cited by Sema4).

NM_000038.6(APC):c.220+4G>A

Gene: APC (APC regulator of Wnt signaling pathway; plus strand). Cytogenetic location: 5q22.2.
Variant type: single nucleotide variant.
Coding change: c.220+4G>A on transcript NM_000038.6 (MANE Select); 4 bases into the intron after coding-DNA position 220, G replaced by A.
Molecular consequence: intron variant.
Genome position (GRCh38, 1-based): chr5:112,766,414, G>A. VCF-style: chr5-112766414-G-A. GRCh37 (hg19) VCF-style: chr5-112102111-G-A.
Other names: c.220+4G>A (NM_001354895.2, NM_001127510.3, NM_001354896.2 and 2 more transcripts); c.250+4G>A (NM_001354897.2, NM_001354902.2, NM_001127511.3); c.145+4G>A (NM_001354898.2, NM_001354904.2); c.-816+4G>A (NM_001354906.2); c.43+4G>A (NM_001354900.2, NM_001354901.2, NM_001354905.2).
Identifiers: ClinVar variation 490238 (VCV000490238.19), dbSNP rs973491846, ClinGen allele CA124975086.